The following is an entry in ClinVar:

NM_000312.4(PROC):c.715_724del (p.Gly239fs)

Gene: PROC (protein C, inactivator of coagulation factors Va and VIIIa; plus strand). Cytogenetic location: 2q14.3.
Variant type: Deletion.
Coding change: c.715_724del on transcript NM_000312.4 (MANE Select); coding-DNA positions 715 to 724, 10 bases deleted (GGGGCAGTGC; older notation c.715_724delGGGGCAGTGC).
Protein change: p.Gly239fs; shifts the reading frame from glycine 239.
Molecular consequence: frameshift variant.
Genome position (GRCh38, 1-based): chr2:127,427,141-127,427,150, GGGGCAGTGC deleted; deleting any 10 consecutive bases within chr2:127,427,138-127,427,150 gives the same sequence; the c. name uses the placement nearest the transcript's 3' end. VCF-style (leftmost placement, unchanged base first): chr2-127427137-CTGCGGGGCAG-C. GRCh37 (hg19) VCF-style: chr2-128184713-CTGCGGGGCAG-C.
Other names: c.898_907del, p.Gly300fs (NM_001375602.1); c.880_889del, p.Gly294fs (NM_001375603.1); c.778_787del, p.Gly260fs (NM_001375604.1); c.817_826del, p.Gly273fs (NM_001375605.1); c.883_892del, p.Gly295fs (NM_001375606.1); c.901_910del, p.Gly301fs (NM_001375607.1); c.658_667del, p.Gly220fs (NM_001375608.1); c.691_700del, p.Gly231fs (NM_001375609.1); and 2 more; short protein forms G220fs, G231fs, G237fs, G239fs, G260fs, G273fs, G294fs, G295fs.
Identifiers: ClinVar variation 4292624 (VCV004292624.1).

ClinVar aggregate classification (germline): Pathogenic (1 of 4 stars; one submission).

Conditions:
Thrombophilia due to protein C deficiency, autosomal recessive. Also called: PROC DEFICIENCY, AUTOSOMAL RECESSIVE; PROTEIN C DEFICIENCY, AUTOSOMAL RECESSIVE. Identifiers: Orphanet 745, MedGen C2676759, MONDO:0012860, OMIM 612304.

Submission:

3billion
Classification: Pathogenic for Thrombophilia due to protein C deficiency, autosomal recessive. Last evaluated: 2024-12-12. Review status: criteria provided, single submitter. Criteria: ACMG Guidelines, 2015. Collection method: clinical testing. Allele origin: germline. Affected: yes.
Comment: The variant is observed at an extremely low frequency in the gnomAD v4.1.0 dataset (total allele frequency: <0.001%). Predicted Consequence/Location: Frameshift: predicted to result in a loss or disruption of normal protein function through nonsense-mediated decay (NMD) or protein truncation. Multiple pathogenic variants are reported downstream of the variant. The variant has been reported to be associated with PROC-related disorder (PMID: 15748260). Therefore, this variant is classified as Pathogenic according to the recommendation of ACMG/AMP guideline.

Literature cited by the submitters: PubMed 15748260.